The following is an entry in ClinVar:

ClinVar aggregate classification (germline): Benign. Review status: criteria provided, multiple submitters, no conflicts (2 of 4 stars). 3 submissions from 3 submitters: Benign (3). Last evaluated 2018-08-25.

Conditions:
Autoimmune lymphoproliferative syndrome type 2B. Also called: AUTOIMMUNE LYMPHOPROLIFERATIVE SYNDROME, TYPE IIB. Identifiers: Orphanet 275517, MedGen C1846545, MONDO:0011804, OMIM 607271.

Allele frequency attached by ClinVar (database versions not stated): gnomAD exomes 0.08906; 1000 Genomes Project 0.10723; 1000 Genomes Project 30x 0.11024; gnomAD 0.12376 and 0.12768; TOPMed 0.12862.
gnomAD v4.1: 53,899 of 545,036 alleles (9.9%); highest among the groups gnomAD compares: African/African-American, 22%; 3,404 homozygotes.

Submissions (3):

GeneDx
Classification: Benign. Last evaluated: 2018-08-25. Review status: criteria provided, single submitter. Criteria: GeneDx Variant Classification Process June 2021. Collection method: clinical testing. Allele origin: germline. Affected: yes.

Illumina Laboratory Services, Illumina
Classification: Benign for Autoimmune lymphoproliferative syndrome type 2B. Last evaluated: 2018-01-13. Review status: criteria provided, single submitter. Criteria: ICSL Variant Classification Criteria 13 December 2019. Collection method: clinical testing. Allele origin: germline.
Comment: This variant was observed in the ICSL laboratory as part of a predisposition screen in an ostensibly healthy population. It had not been previously curated by ICSL or reported in the Human Gene Mutation Database (HGMD: prior to June 1st, 2018), and was therefore a candidate for classification through an automated scoring system. Utilizing variant allele frequency, disease prevalence and penetrance estimates, and inheritance mode, an automated score was calculated to assess if this variant is too frequent to cause the disease. Based on the score and internal cut-off values, a variant classified as benign is not then subjected to further curation. The score for this variant resulted in a classification of benign for this disease.

Breakthrough Genomics
Classification: Benign. Review status: criteria provided, single submitter. Criteria: ACMG Guidelines, 2015. Collection method: not provided. Allele origin: germline. Inheritance: Autosomal recessive inheritance. Affected: yes.

NM_001372051.1(CASP8):c.*175C>T

Gene: CASP8 (caspase 8; plus strand). Cytogenetic location: 2q33.1.
Variant type: single nucleotide variant.
Coding change: c.*175C>T on transcript NM_001372051.1 (MANE Select); 175 bases downstream of the stop codon, C replaced by T.
Molecular consequence: 3 prime UTR variant. On other transcripts: non-coding transcript variant (22).
Genome position (GRCh38, 1-based): chr2:201,286,769, C>T. VCF-style: chr2-201286769-C-T. GRCh37 (hg19) VCF-style: chr2-202151492-C-T.
Other names: c.*175C>T (NM_001400676.1, NM_001400677.1, NM_001400678.1 and 35 more transcripts).
Identifiers: ClinVar variation 333515 (VCV000333515.8), dbSNP rs2141331, ClinGen allele CA10612407.